The following is an entry in ClinVar:

NM_002471.4(MYH6):c.5023A>G (p.Ile1675Val)

Genes: MYH6 (myosin heavy chain 6; minus strand), LOC126861896 (BRD4-independent group 4 enhancer GRCh37_chr14:23854904-23856103; plus strand). Cytogenetic location: 14q11.2.
Variant type: single nucleotide variant.
Coding change: c.5023A>G on transcript NM_002471.4 (MANE Select); coding-DNA position 5023, A replaced by G.
Protein change: p.Ile1675Val; replaces isoleucine 1675 with valine.
Molecular consequence: missense variant.
Genome position (GRCh38, 1-based): chr14:23,386,068, T>C on the plus strand (A>G on the coding strand, the complement: MYH6 is on the minus strand). VCF-style: chr14-23386068-T-C. GRCh37 (hg19) VCF-style: chr14-23855277-T-C.
Other names: short protein forms I1675V.
Identifiers: ClinVar variation 4753179 (VCV004753179.1).

ClinVar aggregate classification (germline): Uncertain significance (1 of 4 stars; one submission).

Conditions:
Hypertrophic cardiomyopathy 14. Identifiers: MedGen C2750467, MONDO:0013197, OMIM 613251.

gnomAD v4.1: 5 of 1,614,092 alleles (0.00031%); highest among the groups gnomAD compares: Middle Eastern, 0.016%; no homozygotes.

Submission:

Labcorp Genetics (formerly Invitae), Labcorp
Classification: Uncertain significance for Hypertrophic cardiomyopathy 14. Last evaluated: 2025-11-20. Review status: criteria provided, single submitter. Criteria: Invitae Variant Classification Sherloc (09022015). Collection method: clinical testing. Allele origin: germline.
Comment: This sequence change replaces isoleucine, which is neutral and non-polar, with valine, which is neutral and non-polar, at codon 1675 of the MYH6 protein (p.Ile1675Val). This variant is present in population databases (rs766549147, gnomAD 0.003%). This variant has not been reported in the literature in individuals affected with MYH6-related conditions. Invitae Evidence Modeling of protein sequence and biophysical properties (such as structural, functional, and spatial information, amino acid conservation, physicochemical variation, residue mobility, and thermodynamic stability) indicates that this missense variant is not expected to disrupt MYH6 protein function with a negative predictive value of 80%. In summary, the available evidence is currently insufficient to determine the role of this variant in disease. Therefore, it has been classified as a Variant of Uncertain Significance.